The following is an entry in ClinVar:

ClinVar aggregate classification (germline): Uncertain significance (1 of 4 stars; one submission).

Conditions:
Cardiomyopathy (CMYO). Also called: Cardiomyopathies. Identifiers: Orphanet 167848, MedGen C0878544, MONDO:0004994, HP:0001638. Inheritance: Various modes of inheritance.

Submission:

Color Diagnostics, LLC DBA Color Health
Classification: Uncertain significance for Cardiomyopathy. Last evaluated: 2024-03-06. Review status: criteria provided, single submitter. Criteria: ACMG Guidelines, 2015. Collection method: clinical testing. Allele origin: germline.
Comment: This missense variant replaces isoleucine with threonine at codon 1490 of the DSP protein. Computational prediction suggests that this variant may not impact protein structure and function (internally defined REVEL score threshold <= 0.5, PMID: 27666373). To our knowledge, functional studies have not been reported for this variant. This variant has not been reported in individuals affected with cardiovascular disorders in the literature. This variant has not been identified in the general population by the Genome Aggregation Database (gnomAD). The available evidence is insufficient to determine the role of this variant in disease conclusively. Therefore, this variant is classified as a Variant of Uncertain Significance.

NM_004415.4(DSP):c.4469T>C (p.Ile1490Thr)

Gene: DSP (desmoplakin; plus strand). Cytogenetic location: 6p24.3.
Variant type: single nucleotide variant.
Coding change: c.4469T>C on transcript NM_004415.4 (MANE Select); coding-DNA position 4469, T replaced by C.
Protein change: p.Ile1490Thr; replaces isoleucine 1490 with threonine.
Molecular consequence: missense variant. On other transcripts: intron variant (2).
Genome position (GRCh38, 1-based): chr6:7,580,659, T>C. VCF-style: chr6-7580659-T-C. GRCh37 (hg19) VCF-style: chr6-7580892-T-C.
Other names: c.4050+419T>C (NM_001319034.2); c.3582+887T>C (NM_001008844.3); short protein forms I1490T.
Identifiers: ClinVar variation 1171479 (VCV001171479.3), dbSNP rs1169999963, ClinGen allele CA362686382.
Genomic context (GRCh38, chr6:7,580,659, plus strand): 5'-ATGATGCTGCCAAAACCATCCAGGATAAAAACAAGGAGATAGAAAGGTTAAAACAACTGA[T>C]CGACAAAGAAACAAATGACCGGAAATGCCTGGAAGATGAAAACGCGAGATTACAAAGGGT-3'
Protein context (NP_004406.2, residues 1480-1500): NKEIERLKQL[Ile1490Thr]DKETNDRKCL